The following is an entry in ClinVar:

ClinVar aggregate classification (germline): Uncertain significance. Review status: criteria provided, multiple submitters, no conflicts (2 of 4 stars). 2 submissions from 2 submitters: Uncertain significance (2). Last evaluated 2023-04-15.

Conditions:
Rubinstein-Taybi syndrome (RSTS). Identifiers: Orphanet 783, MedGen C0035934, MONDO:0019188.
Rubinstein-Taybi syndrome due to CREBBP mutations (RSTS1). Also called: BROAD THUMBS AND GREAT TOES, CHARACTERISTIC FACIES, AND IMPAIRED INTELLECTUAL DEVELOPMENT; RUBINSTEIN SYNDROME; Rubinstein-Taybi syndrome 1; BROAD THUMB-HALLUX SYNDROME; CREBBP-Related Rubinstein-Taybi Syndrome; RUBINSTEIN-TAYBI SYNDROME 1, INCOMPLETE. Identifiers: Orphanet 353277, Orphanet 783, MedGen C4551859, MONDO:0008393, OMIM 180849.

gnomAD v4.1: 7 of 1,528,904 alleles (0.00046%); highest among the groups gnomAD compares: Non-Finnish European, 0.00061%; no homozygotes.

Submissions (2):

Labcorp Genetics (formerly Invitae), Labcorp
Classification: Uncertain significance for Rubinstein-Taybi syndrome. Last evaluated: 2023-04-15. Review status: criteria provided, single submitter. Criteria: Invitae Variant Classification Sherloc (09022015). Collection method: clinical testing. Allele origin: germline.
Comment: In summary, the available evidence is currently insufficient to determine the role of this variant in disease. Therefore, it has been classified as a Variant of Uncertain Significance. Advanced modeling of protein sequence and biophysical properties (such as structural, functional, and spatial information, amino acid conservation, physicochemical variation, residue mobility, and thermodynamic stability) has been performed at Invitae for this missense variant, however the output from this modeling did not meet the statistical confidence thresholds required to predict the impact of this variant on CREBBP protein function. ClinVar contains an entry for this variant (Variation ID: 1698976). This variant has not been reported in the literature in individuals affected with CREBBP-related conditions. This variant is not present in population databases (gnomAD no frequency). This sequence change replaces threonine, which is neutral and polar, with isoleucine, which is neutral and non-polar, at codon 1935 of the CREBBP protein (p.Thr1935Ile).

Victorian Clinical Genetics Services, Murdoch Childrens Research Institute
Classification: Uncertain significance for Rubinstein-Taybi syndrome due to CREBBP mutations. Last evaluated: 2020-06-11. Review status: criteria provided, single submitter. Criteria: ACMG Guidelines, 2015. Collection method: clinical testing. Allele origin: germline. Inheritance: Autosomal dominant inheritance.
Comment: Based on the classification scheme VCGS_Germline_v1.1.1, this variant is classified as 3B-VUS. Following criteria are met: 0102 - Loss-of-function is a known mechanism of disease for this gene. (N) 0107 - This gene is known to be associated with autosomal dominant disease. (N) 0200 - Variant is predicted to result in a missense amino acid change from threonine to isoleucine (exon 32). (N) 0251 - Variant is heterozygous. (N) 0301 - Variant is absent from gnomAD. (P) 0502 - Missense variant with conflicting in silico predictions and/or uninformative conservation. (N) 0603 - Missense variant in a region that is highly intolerant to missense variation (high constraint region). (P) 0705 - No comparable variants have previous evidence for pathogenicity. (N) 0807 - Variant has not previously been reported in a clinical context. (N) 0905 - No segregation evidence has been identified for this variant. (N) 1007 - No published functional evidence has been identified for this variant. (N) 1208 - Inheritance information for this variant is not currently available. (N) Legend: (P) - Pathogenic, (N) - Neutral, (B) - Benign

NM_004380.3(CREBBP):c.5804C>T (p.Thr1935Ile)

Gene: CREBBP (CREB binding lysine acetyltransferase; minus strand). Cytogenetic location: 16p13.3.
Variant type: single nucleotide variant.
Coding change: c.5804C>T on transcript NM_004380.3 (MANE Select); coding-DNA position 5804, C replaced by T.
Protein change: p.Thr1935Ile; replaces threonine 1935 with isoleucine.
Molecular consequence: missense variant.
Genome position (GRCh38, 1-based): chr16:3,729,243, G>A on the plus strand (C>T on the coding strand, the complement: CREBBP is on the minus strand). VCF-style: chr16-3729243-G-A. GRCh37 (hg19) VCF-style: chr16-3779244-G-A.
Other names: c.5690C>T, p.Thr1897Ile (NM_001079846.1); short protein forms T1897I, T1935I.
Identifiers: ClinVar variation 1698976 (VCV001698976.6), dbSNP rs2151308115, ClinGen allele CA394555440.